The following is an entry in ClinVar:

NM_001035.3(RYR2):c.11880G>A (p.Gln3960=)

Gene: RYR2 (ryanodine receptor 2; plus strand). Cytogenetic location: 1q43.
Variant type: single nucleotide variant.
Coding change: c.11880G>A on transcript NM_001035.3 (MANE Select); coding-DNA position 11880, G replaced by A.
Protein change: p.Gln3960=; no amino-acid change (glutamine 3960 retained).
Molecular consequence: synonymous variant.
Genome position (GRCh38, 1-based): chr1:237,778,770, G>A. VCF-style: chr1-237778770-G-A. GRCh37 (hg19) VCF-style: chr1-237942070-G-A.
Identifiers: ClinVar variation 3573890 (VCV003573890.2).

ClinVar aggregate classification (germline): Uncertain significance. Review status: criteria provided, multiple submitters, no conflicts (2 of 4 stars). 3 submissions from 3 submitters: Uncertain significance (3). Last evaluated 2025-08-30.

Conditions:
Cardiomyopathy (CMYO). Also called: Cardiomyopathies. Identifiers: Orphanet 167848, MedGen C0878544, MONDO:0004994, HP:0001638. Inheritance: Various modes of inheritance.
Catecholaminergic polymorphic ventricular tachycardia 1. Also called: VENTRICULAR TACHYCARDIA, STRESS-INDUCED POLYMORPHIC 1; VENTRICULAR TACHYCARDIA, CATECHOLAMINERGIC POLYMORPHIC, 1, WITH OR WITHOUT ATRIAL DYSFUNCTION AND/OR DILATED CARDIOMYOPATHY; RYR2-Related Catecholaminergic Polymorphic Ventricular Tachycardia. Identifiers: Orphanet 3286, MedGen C1631597, MONDO:0011484, OMIM 604772.

gnomAD v4.1: 1 of 1,551,336 alleles (0.000064%); highest among the groups gnomAD compares: Non-Finnish European, 0.000089%; no homozygotes.

Submissions (3):

Color Diagnostics, LLC DBA Color Health
Classification: Uncertain significance for Cardiomyopathy. Last evaluated: 2025-08-30. Review status: criteria provided, single submitter. Criteria: ACMG Guidelines, 2015. Collection method: clinical testing. Allele origin: germline.
Comment: This variant is located in the RYR2 protein. To our knowledge, functional studies have not been reported for this variant. This variant has not been reported in individuals affected with RYR2-related disorders in the literature. This variant has not been identified in the general population by the Genome Aggregation Database (gnomAD). The available evidence is insufficient to determine the role of this variant in disease conclusively. Therefore, this variant is classified as a Variant of Uncertain Significance.

Labcorp Genetics (formerly Invitae), Labcorp
Classification: Uncertain significance for Catecholaminergic polymorphic ventricular tachycardia 1. Last evaluated: 2025-07-27. Review status: criteria provided, single submitter. Criteria: Invitae Variant Classification Sherloc (09022015). Collection method: clinical testing. Allele origin: germline.
Comment: This sequence change affects codon 3960 of the RYR2 mRNA. It is a 'silent' change, meaning that it does not change the encoded amino acid sequence of the RYR2 protein. This variant also falls at the last nucleotide of exon 88, which is part of the consensus splice site for this exon. This variant is not present in population databases (gnomAD no frequency). This variant has not been reported in the literature in individuals affected with RYR2-related conditions. ClinVar contains an entry for this variant (Variation ID: 3573890). Variants that disrupt the consensus splice site are a relatively common cause of aberrant splicing (PMID: 17576681, 9536098). Algorithms developed to predict the effect of sequence changes on RNA splicing suggest that this variant may disrupt the consensus splice site. In summary, the available evidence is currently insufficient to determine the role of this variant in disease. Therefore, it has been classified as a Variant of Uncertain Significance.

GeneDx
Classification: Uncertain significance. Last evaluated: 2024-07-18. Review status: criteria provided, single submitter. Criteria: GeneDx Variant Classification Process June 2021. Collection method: clinical testing. Allele origin: germline. Affected: yes.
Comment: Has not been previously published as pathogenic or benign to our knowledge; Not observed at significant frequency in large population cohorts (gnomAD); In silico analysis supports a deleterious effect on splicing

Literature cited by the submitters: PubMed 17576681 (cited by Labcorp Genetics (formerly Invitae), Labcorp); PubMed 9536098 (cited by Labcorp Genetics (formerly Invitae), Labcorp).